The following is an entry in ClinVar:

ClinVar aggregate classification (germline): Uncertain significance (1 of 4 stars; one submission).

Conditions:
Telangiectasia, hereditary hemorrhagic, type 5 (HHT5). Identifiers: Orphanet 774, MedGen C3809710, MONDO:0014217, OMIM 615506.

Submission:

Labcorp Genetics (formerly Invitae), Labcorp
Classification: Uncertain significance for Telangiectasia, hereditary hemorrhagic, type 5. Last evaluated: 2025-04-28. Review status: criteria provided, single submitter. Criteria: Invitae Variant Classification Sherloc (09022015). Collection method: clinical testing. Allele origin: germline.
Comment: This sequence change replaces valine, which is neutral and non-polar, with alanine, which is neutral and non-polar, at codon 154 of the GDF2 protein (p.Val154Ala). This variant is not present in population databases (gnomAD no frequency). This variant has not been reported in the literature in individuals affected with GDF2-related conditions. Invitae Evidence Modeling of protein sequence and biophysical properties (such as structural, functional, and spatial information, amino acid conservation, physicochemical variation, residue mobility, and thermodynamic stability) indicates that this missense variant is not expected to disrupt GDF2 protein function with a negative predictive value of 80%. In summary, the available evidence is currently insufficient to determine the role of this variant in disease. Therefore, it has been classified as a Variant of Uncertain Significance.

NM_016204.4(GDF2):c.461T>C (p.Val154Ala)

Gene: GDF2 (growth differentiation factor 2; plus strand). Cytogenetic location: 10q11.22.
Variant type: single nucleotide variant.
Coding change: c.461T>C on transcript NM_016204.4 (MANE Select); coding-DNA position 461, T replaced by C.
Protein change: p.Val154Ala; replaces valine 154 with alanine.
Molecular consequence: missense variant.
Genome position (GRCh38, 1-based): chr10:47,324,955, T>C. VCF-style: chr10-47324955-T-C. GRCh37 (hg19) VCF-style: chr10-48414407-A-G.
Other names: short protein forms V154A.
Identifiers: ClinVar variation 4780168 (VCV004780168.1).